The following is an entry in ClinVar:

NM_024685.4(BBS10):c.1218C>G (p.Leu406=)

Gene: BBS10 (Bardet-Biedl syndrome 10; minus strand). Cytogenetic location: 12q21.2.
Variant type: single nucleotide variant.
Coding change: c.1218C>G on transcript NM_024685.4 (MANE Select); coding-DNA position 1218, C replaced by G.
Protein change: p.Leu406=; no amino-acid change (leucine 406 retained).
Molecular consequence: synonymous variant.
Genome position (GRCh38, 1-based): chr12:76,346,767, G>C on the plus strand (C>G on the coding strand, the complement: BBS10 is on the minus strand). VCF-style: chr12-76346767-G-C. GRCh37 (hg19) VCF-style: chr12-76740547-G-C.
Other names: c.1218C>G (NM_024685.3).
Identifiers: ClinVar variation 1572292 (VCV001572292.9), dbSNP rs758194221, ClinGen allele CA6694205.

ClinVar aggregate classification (germline): Likely benign. Review status: criteria provided, multiple submitters, no conflicts (2 of 4 stars). 2 submissions from 2 submitters: Likely benign (2). Last evaluated 2025-08-07.

Conditions:
Bardet-Biedl syndrome (BBS). Identifiers: Orphanet 110, MedGen C0752166, MONDO:0015229.
BBS10-related disorder. Also called: BBS10-related condition.

Allele frequency attached by ClinVar (database versions not stated): ExAC 0.00001; gnomAD 0.00001; gnomAD exomes 0.00001.
gnomAD v4.1: 5 of 1,614,008 alleles (0.00031%); highest among the groups gnomAD compares: Non-Finnish European, 0.00042%; no homozygotes.

Submissions (2):

PreventionGenetics, part of Exact Sciences
Classification: Likely benign for BBS10-related condition. Last evaluated: 2025-08-07. Review status: criteria provided, single submitter. Criteria: ACMG Guidelines, 2015. Collection method: clinical testing. Allele origin: germline.
Comment: This variant is classified as likely benign based on ACMG/AMP sequence variant interpretation guidelines (Richards et al. 2015 PMID: 25741868, with internal and published modifications).

Labcorp Genetics (formerly Invitae), Labcorp
Classification: Likely benign for Bardet-Biedl syndrome. Last evaluated: 2022-12-22. Review status: criteria provided, single submitter. Criteria: Invitae Variant Classification Sherloc (09022015). Collection method: clinical testing. Allele origin: germline.